The following is an entry in ClinVar:

NM_144508.5(KNL1):c.6836+10G>A

Gene: KNL1 (kinetochore scaffold 1; plus strand). Cytogenetic location: 15q15.1.
Variant type: single nucleotide variant.
Coding change: c.6836+10G>A on transcript NM_144508.5 (MANE Select); 10 bases into the intron after coding-DNA position 6836, G replaced by A.
Molecular consequence: intron variant.
Genome position (GRCh38, 1-based): chr15:40,659,471, G>A. VCF-style: chr15-40659471-G-A. GRCh37 (hg19) VCF-style: chr15-40951669-G-A.
Other names: c.6914+10G>A (NM_170589.5).
Identifiers: ClinVar variation 4987810 (VCV004987810.1).

ClinVar aggregate classification (germline): Likely benign (1 of 4 stars; one submission).

Conditions:
KNL1-related disorder. Also called: KNL1-related condition.

gnomAD v4.1: 19 of 1,610,616 alleles (0.0012%); highest among the groups gnomAD compares: Non-Finnish European, 0.0015%; no homozygotes.

Submission:

PreventionGenetics, part of Exact Sciences
Classification: Likely benign for KNL1-related condition. Last evaluated: 2025-05-20. Review status: criteria provided, single submitter. Criteria: ACMG Guidelines, 2015. Collection method: clinical testing. Allele origin: germline.
Comment: This variant is classified as likely benign based on ACMG/AMP sequence variant interpretation guidelines (Richards et al. 2015 PMID: 25741868, with internal and published modifications).